The following is an entry in ClinVar:

NM_000718.4(CACNA1B):c.2938C>T (p.Arg980Trp)

Gene: CACNA1B (calcium voltage-gated channel subunit alpha1 B; plus strand). Cytogenetic location: 9q34.3.
Variant type: single nucleotide variant.
Coding change: c.2938C>T on transcript NM_000718.4 (MANE Select); coding-DNA position 2938, C replaced by T.
Protein change: p.Arg980Trp; replaces arginine 980 with tryptophan.
Molecular consequence: missense variant.
Genome position (GRCh38, 1-based): chr9:138,023,681, C>T. VCF-style: chr9-138023681-C-T. GRCh37 (hg19) VCF-style: chr9-140918133-C-T.
Other names: c.2938C>T, p.Arg980Trp (NM_001243812.2); c.2938C>T (NM_000718.3); short protein forms R980W.
Identifiers: ClinVar variation 1938841 (VCV001938841.3), dbSNP rs1368370552, ClinGen allele CA375810448.

ClinVar aggregate classification (germline): Uncertain significance. Review status: criteria provided, multiple submitters, no conflicts (2 of 4 stars). 2 submissions from 2 submitters: Uncertain significance (2). Last evaluated 2024-06-26.

Allele frequency attached by ClinVar (database versions not stated): gnomAD 0.00006.
gnomAD v4.1: 76 of 1,509,672 alleles (0.005%); highest among the groups gnomAD compares: Non-Finnish European, 0.0064%; no homozygotes.

Submissions (2):

Ambry Genetics
Classification: Uncertain significance. Last evaluated: 2024-06-26. Review status: criteria provided, single submitter. Criteria: Ambry Variant Classification Scheme 2023. Collection method: clinical testing. Allele origin: germline.

Labcorp Genetics (formerly Invitae), Labcorp
Classification: Uncertain significance. Last evaluated: 2022-06-14. Review status: criteria provided, single submitter. Criteria: Invitae Variant Classification Sherloc (09022015). Collection method: clinical testing. Allele origin: germline.
Comment: This sequence change replaces arginine, which is basic and polar, with tryptophan, which is neutral and slightly polar, at codon 980 of the CACNA1B protein (p.Arg980Trp). The frequency data for this variant in the population databases is considered unreliable, as metrics indicate poor data quality at this position in the gnomAD database. This variant has not been reported in the literature in individuals affected with CACNA1B-related conditions. Advanced modeling of protein sequence and biophysical properties (such as structural, functional, and spatial information, amino acid conservation, physicochemical variation, residue mobility, and thermodynamic stability) performed at Invitae indicates that this missense variant is not expected to disrupt CACNA1B protein function. In summary, the available evidence is currently insufficient to determine the role of this variant in disease. Therefore, it has been classified as a Variant of Uncertain Significance.